The following is an entry in ClinVar:

ClinVar aggregate classification (germline): Conflicting classifications of pathogenicity. Review status: criteria provided, conflicting classifications (1 of 4 stars). 3 submissions from 3 submitters: Uncertain significance (1); Likely benign (2). Last evaluated 2025-11-13.

Conditions:
Pontoneocerebellar hypoplasia. Also called: Non-syndromic pontocerebellar hypoplasia; Pontocerebellar hypoplasia. Identifiers: Orphanet 98523, MedGen C1261175, MONDO:0020135.

Allele frequency attached by ClinVar (database versions not stated): ESP Exome Variant Server 0.00008; ExAC 0.00011; gnomAD 0.00014 and 0.00015; gnomAD exomes 0.00015 and 0.00024; TOPMed 0.00015.
gnomAD v4.1: 374 of 1,614,122 alleles (0.023%); highest among the groups gnomAD compares: Non-Finnish European, 0.029%; no homozygotes.

Submissions (3):

Labcorp Genetics (formerly Invitae), Labcorp
Classification: Likely benign. Last evaluated: 2025-11-13. Review status: criteria provided, single submitter. Criteria: Invitae Variant Classification Sherloc (09022015). Collection method: clinical testing. Allele origin: germline.

Illumina Laboratory Services, Illumina
Classification: Uncertain significance for Pontoneocerebellar hypoplasia. Last evaluated: 2018-01-13. Review status: criteria provided, single submitter. Criteria: ICSL Variant Classification Criteria 13 December 2019. Collection method: clinical testing. Allele origin: germline.

GeneDx
Classification: Likely benign. Last evaluated: 2017-06-14. Review status: criteria provided, single submitter. Criteria: GeneDx Variant Classification (06012015). Collection method: clinical testing. Allele origin: germline. Affected: yes.
Comment: This variant is considered likely benign or benign based on one or more of the following criteria: it is a conservative change, it occurs at a poorly conserved position in the protein, it is predicted to be benign by multiple in silico algorithms, and/or has population frequency not consistent with disease.

NM_025265.4(TSEN2):c.1029C>T (p.Tyr343=)

Gene: TSEN2 (tRNA splicing endonuclease subunit 2; plus strand). Cytogenetic location: 3p25.2.
Variant type: single nucleotide variant.
Coding change: c.1029C>T on transcript NM_025265.4 (MANE Select); coding-DNA position 1029, C replaced by T.
Protein change: p.Tyr343=; no amino-acid change (tyrosine 343 retained).
Molecular consequence: synonymous variant. On other transcripts: non-coding transcript variant (1).
Genome position (GRCh38, 1-based): chr3:12,519,127, C>T. VCF-style: chr3-12519127-C-T. GRCh37 (hg19) VCF-style: chr3-12560626-C-T.
Other names: c.1029C>T, p.Tyr343= (NM_001145392.2, NM_001321277.2, NM_001321278.2); c.951C>T, p.Tyr317= (NM_001145393.3, NM_001321279.2); c.852C>T, p.Tyr284= (NM_001145394.2).
Identifiers: ClinVar variation 343080 (VCV000343080.11), dbSNP rs371073764, ClinGen allele CA2258692.